The following is an entry in ClinVar:

NM_000516.7(GNAS):c.-18GCC[8] (p.Met1_Gly2insAlaAla)

Gene: GNAS (GNAS complex locus; plus strand). Cytogenetic location: 20q13.32.
Variant type: Microsatellite.
Coding change: c.-18GCC[8] on transcript NM_000516.7 (MANE Select); eight copies in a row of the 3-base unit GCC starting at c.-18; the reference has six copies in a row; two copies, 6 bases duplicated.
Protein change: p.Met1_Gly2insAlaAla.
Molecular consequence: inframe insertion. On other transcripts: intron variant (6).
Genome position (GRCh38, 1-based): chr20:58,891,721-58,891,726, GCCGCC duplicated; duplicating any 6 consecutive bases within chr20:58,891,707-58,891,726 gives the same sequence; the position shown is the placement nearest the transcript's 3' end. VCF-style (leftmost placement, unchanged base first): chr20-58891706-C-CCCGCCG. GRCh37 (hg19) VCF-style: chr20-57466761-C-CCCGCCG.
Other names: c.-18GCC[8], p.Met1_Gly2insAlaAla (NM_001077488.5, NM_001077489.4, NM_001309842.2 and 1 more transcripts); c.*43-3905CCG[8] (NM_016592.5); c.-38-3905CCG[8] (NM_001309861.2); c.*1-3905CCG[8] (NM_001077490.3); c.2069-3905CCG[8] (NM_080425.4); c.*159-3905CCG[8] (NM_001309883.1); c.-39+2354CCG[8] (NM_001309840.2); c.2069-3891_2069-3886dup6 (NM_080425.3).
Identifiers: ClinVar variation 1208661 (VCV001208661.21), dbSNP rs745433225, ClinGen allele CA9926857.
Genomic context (GRCh38, chr20:58,891,706, plus strand): 5'-CCGGCCCTCCCGGCCCGCGTGAGGCCGCCCGCGCCCGCCGCCGCCGCAGCCCGGCCGCGC[C>CCCGCCG]CCGCCGCCGCCGCCGCCGCCATGGGCTGCCTCGGGAACAGTAAGACCGAGGACCAGCGCA-3'

ClinVar aggregate classification (germline): Benign/Likely benign. Review status: criteria provided, multiple submitters, no conflicts (2 of 4 stars). 3 submissions from 3 submitters: Benign (1); Likely benign (2). Last evaluated 2026-07-01.

Conditions:
GNAS-related disorder. Identifiers: MedGen CN380105.

Submissions (3):

CeGaT Center for Human Genetics Tuebingen
Classification: Likely benign. Last evaluated: 2026-07-01. Review status: criteria provided, single submitter. Criteria: CeGaT Center For Human Genetics Tuebingen Variant Classification Criteria Version 2. Collection method: clinical testing. Allele origin: germline. Affected: yes. Observed: 6 variant alleles.
Comment: GNAS: BP4

PreventionGenetics, part of Exact Sciences
Classification: Benign for GNAS-related condition. Last evaluated: 2024-11-26. Review status: criteria provided, single submitter. Criteria: ACMG Guidelines, 2015. Collection method: clinical testing. Allele origin: germline.
Comment: This variant is classified as benign based on ACMG/AMP sequence variant interpretation guidelines (Richards et al. 2015 PMID: 25741868, with internal and published modifications).

GeneDx
Classification: Likely benign. Last evaluated: 2020-10-05. Review status: criteria provided, single submitter. Criteria: GeneDx Variant Classification Process June 2021. Collection method: clinical testing. Allele origin: germline. Affected: yes.